The following is an entry in ClinVar:

NM_000744.7(CHRNA4):c.492C>G (p.Asp164Glu)

Gene: CHRNA4 (cholinergic receptor nicotinic alpha 4 subunit; minus strand). Cytogenetic location: 20q13.33.
Variant type: single nucleotide variant.
Coding change: c.492C>G on transcript NM_000744.7 (MANE Select); coding-DNA position 492, C replaced by G.
Protein change: p.Asp164Glu; replaces aspartic acid 164 with glutamic acid.
Molecular consequence: missense variant. On other transcripts: 5 prime UTR variant (1), non-coding transcript variant (1).
Genome position (GRCh38, 1-based): chr20:63,350,919, G>C on the plus strand (C>G on the coding strand, the complement: CHRNA4 is on the minus strand). VCF-style: chr20-63350919-G-C. GRCh37 (hg19) VCF-style: chr20-61982271-G-C.
Other names: c.-37C>G (NM_001256573.2); short protein forms D164E.
Identifiers: ClinVar variation 3774128 (VCV003774128.1).

ClinVar aggregate classification (germline): Uncertain significance (1 of 4 stars; one submission).

Submission:

GeneDx
Classification: Uncertain significance. Last evaluated: 2024-09-23. Review status: criteria provided, single submitter. Criteria: GeneDx Variant Classification Process June 2021. Collection method: clinical testing. Allele origin: germline. Affected: yes.
Comment: Not observed at significant frequency in large population cohorts (gnomAD); In silico analysis supports that this missense variant has a deleterious effect on protein structure/function; Has not been previously published as pathogenic or benign to our knowledge